The following is an entry in ClinVar:

ClinVar aggregate classification (germline): Likely benign. Review status: criteria provided, single submitter (1 of 4 stars). 2 submissions from 2 submitters: Likely benign (1). 1 of the submissions does not count toward it. Last evaluated 2019-12-31.

Conditions:
KY-related disorder. Also called: KY-related condition.

Allele frequency attached by ClinVar (database versions not stated): gnomAD exomes 0.00009 and 0.00015; 1000 Genomes Project 30x 0.00016; ExAC 0.00019; ESP Exome Variant Server 0.00049; gnomAD 0.00052 and 0.00055; TOPMed 0.00061.
gnomAD v4.1: 204 of 1,613,704 alleles (0.013%); highest among the groups gnomAD compares: African/African-American, 0.17%; no homozygotes.

Submissions (2):

Labcorp Genetics (formerly Invitae), Labcorp
Classification: Likely benign. Last evaluated: 2019-12-31. Review status: criteria provided, single submitter. Criteria: Invitae Variant Classification Sherloc (09022015). Collection method: clinical testing. Allele origin: germline.

PreventionGenetics, part of Exact Sciences
Classification: Likely benign for KY-related condition. Last evaluated: 2020-10-15. Review status: no assertion criteria provided. Collection method: clinical testing. Allele origin: germline. Not counted in ClinVar's aggregate classification.
Comment: This variant is classified as likely benign based on ACMG/AMP sequence variant interpretation guidelines (Richards et al. 2015 PMID: 25741868, with internal and published modifications).

NM_178554.6(KY):c.561C>T (p.Arg187=)

Genes: CEP63 (centrosomal protein 63; plus strand), KY (kyphoscoliosis peptidase; minus strand). Cytogenetic location: 3q22.2.
Variant type: single nucleotide variant.
Coding change: c.561C>T on transcript NM_178554.6 (MANE Select); coding-DNA position 561, C replaced by T.
Protein change: p.Arg187=; no amino-acid change (arginine 187 retained).
Molecular consequence: synonymous variant.
Genome position (GRCh38, 1-based): chr3:134,620,780, G>A on the plus strand (C>T on the coding strand, the complement: KY is on the minus strand). VCF-style: chr3-134620780-G-A. GRCh37 (hg19) VCF-style: chr3-134339622-G-A.
Other names: c.513C>T, p.Arg171= (NM_001350859.2); c.435C>T, p.Arg145= (NM_001350860.2); c.498C>T, p.Arg166= (NM_001366276.1); c.561C>T, p.Arg187= (NM_001366277.2).
Identifiers: ClinVar variation 735946 (VCV000735946.6), dbSNP rs371587266, ClinGen allele CA2629245.
Genomic context (GRCh38, chr3:134,620,780, plus strand): 5'-AGAGCCAGAAATTCCACAGGGGGGCCTACCTATGTGATGGCAGATCCAGATCCAGATGGC[G>A]CGGACCCTTTCCAGGTCAGTGTGGGCCTCCTGGAGCAGGTCACTCACCAGTTCGTCTAGG-3'
Protein context (NP_848649.3, residues 177-197): QEAHTDLERV[Arg187=]AIWIWICHHI